The following is an entry in ClinVar:

ClinVar aggregate classification (germline): Uncertain significance. Review status: criteria provided, single submitter (1 of 4 stars). 2 submissions from 2 submitters: Uncertain significance (1). 1 of the submissions does not count toward it. Last evaluated 2022-10-05.

Conditions:
Usher syndrome type 1C. Also called: USHER SYNDROME, TYPE I, ACADIAN VARIETY. Identifiers: Orphanet 231169, Orphanet 886, MedGen C1848604, MONDO:0010171, OMIM 276904.
Autosomal recessive nonsyndromic hearing loss 18A. Also called: DEAFNESS, AUTOSOMAL RECESSIVE 18; Deafness, autosomal recessive 18A. Identifiers: Orphanet 90636, MedGen C1865870, MONDO:0011192, OMIM 602092.

gnomAD v4.1: 3 of 1,614,224 alleles (0.00019%); highest among the groups gnomAD compares: Non-Finnish European, 0.00025%; no homozygotes.

Submissions (2):

Labcorp Genetics (formerly Invitae), Labcorp
Classification: Uncertain significance. Last evaluated: 2022-10-05. Review status: criteria provided, single submitter. Criteria: Invitae Variant Classification Sherloc (09022015). Collection method: clinical testing. Allele origin: germline.
Comment: This sequence change affects a donor splice site in intron 20 of the USH1C gene. While this variant is not anticipated to result in nonsense mediated decay, it likely alters RNA splicing and results in a disrupted protein product. This variant is not present in population databases (gnomAD no frequency). This variant has not been reported in the literature in individuals affected with USH1C-related conditions. ClinVar contains an entry for this variant (Variation ID: 549987). Variants that disrupt the consensus splice site are a relatively common cause of aberrant splicing (PMID: 17576681, 9536098). Algorithms developed to predict the effect of sequence changes on RNA splicing suggest that this variant may disrupt the consensus splice site. In summary, the available evidence is currently insufficient to determine the role of this variant in disease. Therefore, it has been classified as a Variant of Uncertain Significance.

Counsyl
Classification: Likely pathogenic for Usher syndrome type 1C; Autosomal recessive nonsyndromic hearing loss 18A. Last evaluated: 2017-04-21. Review status: no assertion criteria provided. Collection method: clinical testing. Allele origin: unknown. Not counted in ClinVar's aggregate classification.

Literature cited by the submitters: PubMed 17576681 (cited by Labcorp Genetics (formerly Invitae), Labcorp); PubMed 9536098 (cited by Labcorp Genetics (formerly Invitae), Labcorp).

NM_153676.4(USH1C):c.2546+1G>T

Gene: USH1C (USH1 protein network component harmonin; minus strand). Cytogenetic location: 11p15.1.
Variant type: single nucleotide variant.
Coding change: c.2546+1G>T on transcript NM_153676.4 (MANE Select); the canonical splice donor site of the intron after coding-DNA position 2546, G replaced by T.
Molecular consequence: splice donor variant.
Genome position (GRCh38, 1-based): chr11:17,496,757, C>A on the plus strand (G>T on the coding strand, the complement: USH1C is on the minus strand). VCF-style: chr11-17496757-C-A. GRCh37 (hg19) VCF-style: chr11-17518304-C-A.
Other names: c.1589+1G>T (NM_001297764.2); c.1646+1G>T (NM_005709.4).
Identifiers: ClinVar variation 549987 (VCV000549987.7), dbSNP rs1554953350, ClinGen allele CA379798582.